The following is an entry in ClinVar:

ClinVar aggregate classification (germline): Conflicting classifications of pathogenicity. Review status: criteria provided, conflicting classifications (1 of 4 stars). 2 submissions from 2 submitters: Uncertain significance (1); Likely benign (1). Last evaluated 2023-09-13.

Allele frequency attached by ClinVar (database versions not stated): ExAC 0.00007; ESP Exome Variant Server 0.00008; TOPMed 0.00003; gnomAD 0.00005.
gnomAD v4.1: 109 of 1,613,484 alleles (0.0068%); highest among the groups gnomAD compares: South Asian, 0.047%; no homozygotes.

Submissions (2):

Ambry Genetics
Classification: Uncertain significance. Last evaluated: 2023-09-13. Review status: criteria provided, single submitter. Criteria: Ambry Variant Classification Scheme 2023. Collection method: clinical testing. Allele origin: germline.

CeGaT Center for Human Genetics Tuebingen
Classification: Likely benign. Last evaluated: 2022-06-01. Review status: criteria provided, single submitter. Criteria: CeGaT Center For Human Genetics Tuebingen Variant Classification Criteria Version 2. Collection method: clinical testing. Allele origin: germline. Affected: yes. Observed: 1 variant allele.
Comment: EPS15L1: BP4

NM_001258374.3(EPS15L1):c.1601A>G (p.Lys534Arg)

Gene: EPS15L1 (epidermal growth factor receptor pathway substrate 15 like 1; minus strand). Cytogenetic location: 19p13.11.
Variant type: single nucleotide variant.
Coding change: c.1601A>G on transcript NM_001258374.3 (MANE Select); coding-DNA position 1601, A replaced by G.
Protein change: p.Lys534Arg; replaces lysine 534 with arginine.
Molecular consequence: missense variant. On other transcripts: non-coding transcript variant (2).
Genome position (GRCh38, 1-based): chr19:16,403,758, T>C on the plus strand (A>G on the coding strand, the complement: EPS15L1 is on the minus strand). VCF-style: chr19-16403758-T-C. GRCh37 (hg19) VCF-style: chr19-16514569-T-C.
Other names: c.1601A>G, p.Lys534Arg (NM_001258375.2, NM_001258376.2, NM_021235.3); short protein forms K534R.
Identifiers: ClinVar variation 2594061 (VCV002594061.26), dbSNP rs149545861, ClinGen allele CA9277595.